The following is an entry in ClinVar:

ClinVar aggregate classification (germline): Conflicting classifications of pathogenicity. Review status: criteria provided, conflicting classifications (1 of 4 stars). 2 submissions from 2 submitters: Uncertain significance (1); Benign (1). Last evaluated 2026-05-05.

Conditions:
Adams-Oliver syndrome 5 (AOS5). Identifiers: Orphanet 974, MedGen C4014970, MONDO:0014459, OMIM 616028.
Familial thoracic aortic aneurysm and aortic dissection (TAAD). Also called: Thoracic aortic aneurysms and dissections. Identifiers: Orphanet 91387, MedGen C4707243, MONDO:0019625.

Allele frequency attached by ClinVar (database versions not stated): ExAC 0.00002; gnomAD 0.00001; gnomAD exomes 0.00002; ESP Exome Variant Server 0.00008; TOPMed 0.00001.
gnomAD v4.1: 15 of 1,609,396 alleles (0.00093%); highest among the groups gnomAD compares: African/African-American, 0.004%; no homozygotes.

Submissions (2):

Ambry Genetics
Classification: Uncertain significance for Familial thoracic aortic aneurysm and aortic dissection. Last evaluated: 2026-05-05. Review status: criteria provided, single submitter. Criteria: Ambry Variant Classification Scheme 2023. Collection method: clinical testing. Allele origin: germline.
Comment: The p.E706K variant (also known as c.2116G>A), located in coding exon 13 of the NOTCH1 gene, results from a G to A substitution at nucleotide position 2116. The glutamic acid at codon 706 is replaced by lysine, an amino acid with similar properties. This amino acid position is not well conserved in available vertebrate species. In addition, the in silico prediction for this alteration is inconclusive. Based on the available evidence, the clinical significance of this variant remains unclear.

Labcorp Genetics (formerly Invitae), Labcorp
Classification: Benign for Adams-Oliver syndrome 5. Last evaluated: 2022-10-10. Review status: criteria provided, single submitter. Criteria: Invitae Variant Classification Sherloc (09022015). Collection method: clinical testing. Allele origin: germline.

NM_017617.5(NOTCH1):c.2116G>A (p.Glu706Lys)

Gene: NOTCH1 (notch receptor 1; minus strand). Cytogenetic location: 9q34.3.
Variant type: single nucleotide variant.
Coding change: c.2116G>A on transcript NM_017617.5 (MANE Select); coding-DNA position 2116, G replaced by A.
Protein change: p.Glu706Lys; replaces glutamic acid 706 with lysine.
Molecular consequence: missense variant.
Genome position (GRCh38, 1-based): chr9:136,514,601, C>T on the plus strand (G>A on the coding strand, the complement: NOTCH1 is on the minus strand). VCF-style: chr9-136514601-C-T. GRCh37 (hg19) VCF-style: chr9-139409053-C-T.
Other names: c.2116G>A (NM_017617.3); short protein forms E706K.
Identifiers: ClinVar variation 1519862 (VCV001519862.9), dbSNP rs368494947, ClinGen allele CA5341478.